The following is an entry in ClinVar:

ClinVar aggregate classification (germline): Uncertain significance. Review status: criteria provided, multiple submitters, no conflicts (2 of 4 stars). 2 submissions from 2 submitters: Uncertain significance (2). Last evaluated 2022-10-18.

Conditions:
Osteogenesis imperfecta type I (OI1). Also called: OI, TYPE I; OSTEOGENESIS IMPERFECTA TARDA; OSTEOGENESIS IMPERFECTA WITH BLUE SCLERAE; Classic Non-deforming Osteogenesis Imperfecta with Blue Sclerae; Osteogenesis imperfecta type 1; Lobstein's Disease. Identifiers: Orphanet 216796, Orphanet 666, MedGen C0023931, MONDO:0008146, OMIM 166200. Disease mechanism: loss of function.
Ehlers-Danlos syndrome, classic type, 1 (EDSCL1). Also called: EHLERS-DANLOS SYNDROME, GRAVIS TYPE; EHLERS-DANLOS SYNDROME, SEVERE CLASSIC TYPE; EDS I; Ehlers-Danlos Syndrome, Classic Type, COL5A1-Related; Ehlers-Danlos syndrome, type 1. Identifiers: MedGen C0268335, MONDO:0019567, OMIM 130000.

Submissions (2):

Blueprint Genetics
Classification: Uncertain significance. Last evaluated: 2022-10-18. Review status: criteria provided, single submitter. Criteria: ACMG Guidelines, 2015. Collection method: clinical testing. Allele origin: germline.

Labcorp Genetics (formerly Invitae), Labcorp
Classification: Uncertain significance for Osteogenesis imperfecta type I; Ehlers-Danlos syndrome, classic type, 1. Last evaluated: 2022-10-10. Review status: criteria provided, single submitter. Criteria: Invitae Variant Classification Sherloc (09022015). Collection method: clinical testing. Allele origin: germline.
Comment: This sequence change replaces glutamic acid, which is acidic and polar, with lysine, which is basic and polar, at codon 27 of the COL1A2 protein (p.Glu27Lys). In summary, the available evidence is currently insufficient to determine the role of this variant in disease. Therefore, it has been classified as a Variant of Uncertain Significance. Algorithms developed to predict the effect of missense changes on protein structure and function output the following: SIFT: "Tolerated"; PolyPhen-2: "Not Available"; Align-GVGD: "Class C0". The lysine amino acid residue is found in multiple mammalian species, which suggests that this missense change does not adversely affect protein function. This variant has not been reported in the literature in individuals affected with COL1A2-related conditions. The frequency data for this variant in the population databases is considered unreliable, as metrics indicate poor data quality at this position in the gnomAD database.

NM_000089.4(COL1A2):c.79G>A (p.Glu27Lys)

Gene: COL1A2 (collagen type I alpha 2 chain; plus strand). Cytogenetic location: 7q21.3.
Variant type: single nucleotide variant.
Coding change: c.79G>A on transcript NM_000089.4 (MANE Select); coding-DNA position 79, G replaced by A.
Protein change: p.Glu27Lys; replaces glutamic acid 27 with lysine.
Molecular consequence: missense variant.
Genome position (GRCh38, 1-based): chr7:94,397,756, G>A. VCF-style: chr7-94397756-G-A. GRCh37 (hg19) VCF-style: chr7-94027068-G-A.
Other names: short protein forms E27K.
Identifiers: ClinVar variation 1920910 (VCV001920910.6), dbSNP rs1383010138, ClinGen allele CA368218937.
Genomic context (GRCh38, chr7:94,397,756, plus strand): 5'-CATGAAGTGATACTAATAATTGTTTCCTACTTTTTCTTTTTTTTTTCTACAGCTTTACAA[G>A]AGGTGAGTAAAACTTTTTTTAGAATTTTTAAAAATACTTTGATTCCCTTGGCTACAGTGA-3'
Protein context (NP_000080.2, residues 17-37): LCLATCQSLQ[Glu27Lys]ETVRKGPAGD